The following is an entry in ClinVar:

NM_004336.5(BUB1):c.187C>A (p.His63Asn)

Gene: BUB1 (BUB1 mitotic checkpoint serine/threonine kinase; minus strand). Cytogenetic location: 2q13.
Variant type: single nucleotide variant.
Coding change: c.187C>A on transcript NM_004336.5 (MANE Select); coding-DNA position 187, C replaced by A.
Protein change: p.His63Asn; replaces histidine 63 with asparagine.
Molecular consequence: missense variant.
Genome position (GRCh38, 1-based): chr2:110,674,124, G>T on the plus strand (C>A on the coding strand, the complement: BUB1 is on the minus strand). VCF-style: chr2-110674124-G-T. GRCh37 (hg19) VCF-style: chr2-111431701-G-T.
Other names: c.127C>A, p.His43Asn (NM_001278616.2); c.187C>A, p.His63Asn (NM_001278617.2); short protein forms H43N, H63N.
Identifiers: ClinVar variation 3262102 (VCV003262102.1).

ClinVar aggregate classification (germline): Uncertain significance (1 of 4 stars; one submission).

gnomAD v4.1: 1 of 1,554,118 alleles (0.000064%); highest among the groups gnomAD compares: South Asian, 0.0011%; no homozygotes.

Submission:

Ambry Genetics
Classification: Uncertain significance. Last evaluated: 2024-06-14. Review status: criteria provided, single submitter. Criteria: Ambry Variant Classification Scheme 2023. Collection method: clinical testing. Allele origin: germline.
Comment: The p.H63N variant (also known as c.187C>A), located in coding exon 3 of the BUB1 gene, results from a C to A substitution at nucleotide position 187. The histidine at codon 63 is replaced by asparagine, an amino acid with similar properties. This amino acid position is conserved. In addition, this alteration is predicted to be tolerated by in silico analysis. Based on the available evidence, the clinical significance of this variant remains unclear.